The following is an entry in ClinVar:

ClinVar aggregate classification (germline): Uncertain significance (1 of 4 stars; one submission).

Conditions:
Malignant hyperthermia, susceptibility to, 5 (MHS5). Also called: CACNA1S-Related Malignant Hyperthermia Susceptibility. Identifiers: Orphanet 423, MedGen C1866077, MONDO:0011163, OMIM 601887.

Allele frequency attached by ClinVar (database versions not stated): gnomAD exomes 0.00001; TOPMed 0.00001.
gnomAD v4.1: 18 of 1,613,964 alleles (0.0011%); highest among the groups gnomAD compares: Non-Finnish European, 0.0015%; no homozygotes.

Submission:

All of Us Research Program, National Institutes of Health
Classification: Uncertain significance for Malignant hyperthermia, susceptibility to, 5. Last evaluated: 2023-11-02. Review status: criteria provided, single submitter. Criteria: ACMG Guidelines, 2015. Collection method: clinical testing. Allele origin: germline. Inheritance: Autosomal dominant inheritance. Observed: 1 variant allele, 1 heterozygote.
Comment: This variant causes an A to C nucleotide substitution at the +4 position of intron 34 of the CACNA1S gene. To our knowledge, functional studies have not been reported for this variant. This variant has not been reported in individuals affected with CACNA1S-related disorders in the literature. This variant has been identified in 1/251416 chromosomes in the general population by the Genome Aggregation Database (gnomAD). The available evidence is insufficient to determine the role of this variant in disease conclusively. Therefore, this variant is classified as a Variant of Uncertain Significance.

This study involves interpretation of variants in research participants for the purpose of population health screening. Participant phenotype was not available at the time of variant classification. Additional details can be found in publication PMID: 35346344, PMCID: PMC8962531

NM_000069.3(CACNA1S):c.4241+4A>C

Gene: CACNA1S (calcium voltage-gated channel subunit alpha1 S; minus strand). Cytogenetic location: 1q32.1.
Variant type: single nucleotide variant.
Coding change: c.4241+4A>C on transcript NM_000069.3 (MANE Select); 4 bases into the intron after coding-DNA position 4241, A replaced by C.
Molecular consequence: intron variant.
Genome position (GRCh38, 1-based): chr1:201,050,385, T>G on the plus strand (A>C on the coding strand, the complement: CACNA1S is on the minus strand). VCF-style: chr1-201050385-T-G. GRCh37 (hg19) VCF-style: chr1-201019513-T-G.
Identifiers: ClinVar variation 3074295 (VCV003074295.1), dbSNP rs1316375012, ClinGen allele CA528313118.
Genomic context (GRCh38, chr1:201,050,385, plus strand): 5'-CTGTGAGACGGTAGGAAGGGTCTAGGATGGAGGGCCCAGCACAGAGCCTACAGATTGGAC[T>G]CACTTAGCCTCTGGGTCATACTCTGCCCAGATGGCCTTGAACTCATCCAGGTGATGAGGG-3'